The following is an entry in ClinVar:

ClinVar aggregate classification (germline): Pathogenic (1 of 4 stars; one submission).

Allele frequency attached by ClinVar (database versions not stated): TOPMed below 0.00001.

Submission:

Labcorp Genetics (formerly Invitae), Labcorp
Classification: Pathogenic. Last evaluated: 2023-05-08. Review status: criteria provided, single submitter. Criteria: Invitae Variant Classification Sherloc (09022015). Collection method: clinical testing. Allele origin: germline.
Comment: For these reasons, this variant has been classified as Pathogenic. This variant has not been reported in the literature in individuals affected with LRAT-related conditions. This variant is not present in population databases (gnomAD no frequency). This sequence change creates a premature translational stop signal (p.Asp67Thrfs*7) in the LRAT gene. It is expected to result in an absent or disrupted protein product. Loss-of-function variants in LRAT are known to be pathogenic (PMID: 22559933, 24265693).

Literature cited by the submitters: PubMed 22559933; PubMed 24265693.

NM_004744.5(LRAT):c.198del (p.Asp67fs)

Gene: LRAT (lecithin retinol acyltransferase; plus strand). Cytogenetic location: 4q32.1.
Variant type: Deletion.
Coding change: c.198del on transcript NM_004744.5 (MANE Select); coding-DNA position 198, one base deleted (A; older notation c.198delA).
Protein change: p.Asp67fs; shifts the reading frame from aspartic acid 67.
Molecular consequence: frameshift variant.
Genome position (GRCh38, 1-based): chr4:154,744,524, A deleted. VCF-style (leftmost placement, unchanged base first): chr4-154744523-GA-G. GRCh37 (hg19) VCF-style: chr4-155665675-GA-G.
Other names: c.198del, p.Asp67fs (NM_001301645.2); short protein forms D67fs.
Identifiers: ClinVar variation 2829724 (VCV002829724.3), dbSNP rs1732838323, ClinGen allele CA1505011857.
Genomic context (GRCh38, chr4:154,744,523, plus strand): 5'-ACCGAGGCGACGTGCTGGAGGTGCCCCGGACCCACCTGACCCACTATGGCATCTACCTAG[GA>G]GACAACCGTGTTGCCCACATGATGCCCGACATCCTGTTGGCCCTGACAGACGACATGGGG-3'